The following is an entry in ClinVar:

NM_001363711.2(DUOX2):c.1156G>C (p.Glu386Gln)

Gene: DUOX2 (dual oxidase 2; minus strand). Cytogenetic location: 15q21.1.
Variant type: single nucleotide variant.
Coding change: c.1156G>C on transcript NM_001363711.2 (MANE Select); coding-DNA position 1156, G replaced by C.
Protein change: p.Glu386Gln; replaces glutamic acid 386 with glutamine.
Molecular consequence: missense variant.
Genome position (GRCh38, 1-based): chr15:45,109,602, C>G on the plus strand (G>C on the coding strand, the complement: DUOX2 is on the minus strand). VCF-style: chr15-45109602-C-G. GRCh37 (hg19) VCF-style: chr15-45401800-C-G.
Other names: c.1156G>C, p.Glu386Gln (NM_014080.5); short protein forms E386Q.
Identifiers: ClinVar variation 4754818 (VCV004754818.1).

ClinVar aggregate classification (germline): Uncertain significance (1 of 4 stars; one submission).

gnomAD v4.1: 6 of 1,614,044 alleles (0.00037%); highest among the groups gnomAD compares: African/African-American, 0.004%; no homozygotes.

Submission:

Labcorp Genetics (formerly Invitae), Labcorp
Classification: Uncertain significance. Last evaluated: 2025-03-16. Review status: criteria provided, single submitter. Criteria: Invitae Variant Classification Sherloc (09022015). Collection method: clinical testing. Allele origin: germline.
Comment: This sequence change replaces glutamic acid, which is acidic and polar, with glutamine, which is neutral and polar, at codon 386 of the DUOX2 protein (p.Glu386Gln). This variant is present in population databases (rs773941755, gnomAD 0.007%). This variant has not been reported in the literature in individuals affected with DUOX2-related conditions. Invitae Evidence Modeling of protein sequence and biophysical properties (such as structural, functional, and spatial information, amino acid conservation, physicochemical variation, residue mobility, and thermodynamic stability) indicates that this missense variant is not expected to disrupt DUOX2 protein function with a negative predictive value of 80%. In summary, the available evidence is currently insufficient to determine the role of this variant in disease. Therefore, it has been classified as a Variant of Uncertain Significance.